The following is an entry in ClinVar:

ClinVar aggregate classification (germline): Uncertain significance (1 of 4 stars; one submission).

Conditions:
Inborn genetic diseases. Identifiers: MedGen C0950123, MeSH D030342.

Submission:

Ambry Genetics
Classification: Uncertain significance for Inborn genetic diseases. Last evaluated: 2025-07-19. Review status: criteria provided, single submitter. Criteria: Ambry Variant Classification Scheme 2023. Collection method: clinical testing. Allele origin: germline.
Comment: The p.E248K variant (also known as c.742G>A), located in coding exon 9 of the ASXL1 gene, results from a G to A substitution at nucleotide position 742. The glutamic acid at codon 248 is replaced by lysine, an amino acid with similar properties. This amino acid position is conserved. In addition, this alteration is predicted to be tolerated by in silico analysis. Based on the available evidence, the clinical significance of this variant remains unclear.

NM_015338.6(ASXL1):c.742G>A (p.Glu248Lys)

Gene: ASXL1 (ASXL transcriptional regulator 1; plus strand). Cytogenetic location: 20q11.21.
Variant type: single nucleotide variant.
Coding change: c.742G>A on transcript NM_015338.6 (MANE Select); coding-DNA position 742, G replaced by A.
Protein change: p.Glu248Lys; replaces glutamic acid 248 with lysine.
Molecular consequence: missense variant.
Genome position (GRCh38, 1-based): chr20:32,431,344, G>A. VCF-style: chr20-32431344-G-A. GRCh37 (hg19) VCF-style: chr20-31019147-G-A.
Other names: c.559G>A, p.Glu187Lys (NM_001363734.1); short protein forms E187K, E248K.
Identifiers: ClinVar variation 4158340 (VCV004158340.1).